The following is an entry in ClinVar:

NM_020738.4(KIDINS220):c.3012-6150_3012-6149dup

Gene: KIDINS220 (kinase D interacting substrate 220; minus strand). Cytogenetic location: 2p25.1.
Variant type: Duplication.
Coding change: c.3012-6150_3012-6149dup on transcript NM_020738.4 (MANE Select); 6150 bases into the intron before coding-DNA position 3012 through 6149 bases into the intron before coding-DNA position 3012, 2 bases duplicated (AA; older notation c.3012-6150_3012-6149dupAA).
Molecular consequence: intron variant.
Genome position (GRCh38, 1-based): chr2:8,757,793-8,757,794, TT duplicated on the plus strand (AA on the coding strand, the reverse complement: KIDINS220 is on the minus strand); duplicating any 2 consecutive bases within chr2:8,757,793-8,757,795 gives the same sequence; the c. name uses the placement nearest the transcript's 3' end. VCF-style (leftmost placement, unchanged base first): chr2-8757792-G-GTT. GRCh37 (hg19) VCF-style: chr2-8897922-G-GTT.
Other names: c.3012-6150_3012-6149dup (NM_001348741.2, NM_001348738.2, NM_001348742.2 and 3 more transcripts); c.3015-6150_3015-6149dup (NM_001348739.2, NM_001348740.2, NM_001348734.2 and 2 more transcripts); c.2886-6150_2886-6149dup (NM_001348736.2); c.3015-7_3015-6dup (NM_001348745.2).
Identifiers: ClinVar variation 3348395 (VCV003348395.1).

ClinVar aggregate classification (germline): Uncertain significance (0 of 4 stars; one submission).

Conditions:
KIDINS220-related disorder. Also called: KIDINS220-related condition.

Submission:

PreventionGenetics, part of Exact Sciences
Classification: Uncertain significance for KIDINS220-related condition. Last evaluated: 2023-12-14. Review status: no assertion criteria provided. Collection method: clinical testing. Allele origin: germline.
Comment: The KIDINS220 c.3015-7_3015-6dupAA variant is predicted to result in an intronic duplication. To our knowledge, this variant has not been reported in the literature. This variant is reported in 0.0065% of alleles in individuals of African descent in gnomAD. At this time, the clinical significance of this variant is uncertain due to the absence of conclusive functional and genetic evidence.